The following is an entry in ClinVar:

ClinVar aggregate classification (germline): Conflicting classifications of pathogenicity. Review status: criteria provided, conflicting classifications (1 of 4 stars). 3 submissions from 3 submitters: Uncertain significance (2); Likely benign (1). Last evaluated 2025-04-15.

Conditions:
Inborn genetic diseases. Identifiers: MedGen C0950123, MeSH D030342.
RP1-related disorder. Also called: RP1-related condition.

Allele frequency attached by ClinVar (database versions not stated): gnomAD 0.00002; TOPMed 0.00002; ExAC 0.00003.
gnomAD v4.1: 67 of 1,614,140 alleles (0.0042%); highest among the groups gnomAD compares: Non-Finnish European, 0.0053%; no homozygotes.

Submissions (3):

PreventionGenetics, part of Exact Sciences
Classification: Uncertain significance for RP1-related condition. Last evaluated: 2025-04-15. Review status: criteria provided, single submitter. Criteria: ACMG Guidelines, 2015. Collection method: clinical testing. Allele origin: germline.
Comment: The RP1 c.4025T>C variant is predicted to result in the amino acid substitution p.Ile1342Thr. To our knowledge, this variant has not been reported in the literature. This variant is present in 0.0046% of alleles in individuals of European (Non-Finnish) descent in gnomAD. At this time, the clinical significance of this variant is uncertain due to the absence of conclusive functional and genetic evidence.

Labcorp Genetics (formerly Invitae), Labcorp
Classification: Uncertain significance. Last evaluated: 2023-10-14. Review status: criteria provided, single submitter. Criteria: Invitae Variant Classification Sherloc (09022015). Collection method: clinical testing. Allele origin: germline.
Comment: This sequence change replaces isoleucine, which is neutral and non-polar, with threonine, which is neutral and polar, at codon 1342 of the RP1 protein (p.Ile1342Thr). This variant is present in population databases (rs201683491, gnomAD 0.005%). This variant has not been reported in the literature in individuals affected with RP1-related conditions. ClinVar contains an entry for this variant (Variation ID: 1364441). Algorithms developed to predict the effect of missense changes on protein structure and function output the following: SIFT: "Not Available"; PolyPhen-2: "Benign"; Align-GVGD: "Not Available". The threonine amino acid residue is found in multiple mammalian species, which suggests that this missense change does not adversely affect protein function. In summary, the available evidence is currently insufficient to determine the role of this variant in disease. Therefore, it has been classified as a Variant of Uncertain Significance.

Ambry Genetics
Classification: Likely benign for Inborn genetic diseases. Last evaluated: 2022-11-10. Review status: criteria provided, single submitter. Criteria: Ambry Variant Classification Scheme 2023. Collection method: clinical testing. Allele origin: germline.

NM_006269.2(RP1):c.4025T>C (p.Ile1342Thr)

Gene: RP1 (RP1 axonemal microtubule associated; plus strand). Cytogenetic location: 8q12.1.
Variant type: single nucleotide variant.
Coding change: c.4025T>C on transcript NM_006269.2 (MANE Select); coding-DNA position 4025, T replaced by C.
Protein change: p.Ile1342Thr; replaces isoleucine 1342 with threonine.
Molecular consequence: missense variant. On other transcripts: intron variant (1).
Genome position (GRCh38, 1-based): chr8:54,627,907, T>C. VCF-style: chr8-54627907-T-C. GRCh37 (hg19) VCF-style: chr8-55540467-T-C.
Other names: c.787+5619T>C (NM_001375654.1); c.4025T>C (NM_006269.1); short protein forms I1342T.
Identifiers: ClinVar variation 1364441 (VCV001364441.8), dbSNP rs201683491, ClinGen allele CA4751790.
Genomic context (GRCh38, chr8:54,627,907, plus strand): 5'-CCTATGAGGGAGCTTGCCCAATTGATGAGACCTACGTTCCTGTCAATGTCTGCAATACCA[T>C]TGACTTTTTAAACTCCAAAGAAAACACATATACTGATAACTTGGATTCAACTGAAGAGTT-3'
Protein context (NP_006260.1, residues 1332-1352): TYVPVNVCNT[Ile1342Thr]DFLNSKENTY